The following is an entry in ClinVar:

ClinVar aggregate classification (germline): Uncertain significance (1 of 4 stars; one submission).

Conditions:
Aspartylglucosaminuria (AGU). Also called: GLYCOASPARAGINASE; GLYCOSYLASPARAGINASE DEFICIENCY; AGA DEFICIENCY; Aspartylglucos-aminuria; Aspartylglucos-amidase (AGA) deficiency. Identifiers: Orphanet 93, MedGen C0268225, MONDO:0008830, OMIM 208400, HP:0012068.

gnomAD v4.1: 3 of 1,614,142 alleles (0.00019%); highest among the groups gnomAD compares: Non-Finnish European, 0.00017%; no homozygotes.

Submission:

Labcorp Genetics (formerly Invitae), Labcorp
Classification: Uncertain significance for Aspartylglucosaminuria. Last evaluated: 2022-07-30. Review status: criteria provided, single submitter. Criteria: Invitae Variant Classification Sherloc (09022015). Collection method: clinical testing. Allele origin: germline.
Comment: This sequence change replaces isoleucine, which is neutral and non-polar, with arginine, which is basic and polar, at codon 305 of the AGA protein (p.Ile305Arg). This variant is present in population databases (rs373616948, gnomAD 0.0009%). This variant has not been reported in the literature in individuals affected with AGA-related conditions. Advanced modeling of protein sequence and biophysical properties (such as structural, functional, and spatial information, amino acid conservation, physicochemical variation, residue mobility, and thermodynamic stability) performed at Invitae indicates that this missense variant is expected to disrupt AGA protein function. Algorithms developed to predict the effect of sequence changes on RNA splicing suggest that this variant may create or strengthen a splice site. In summary, the available evidence is currently insufficient to determine the role of this variant in disease. Therefore, it has been classified as a Variant of Uncertain Significance.

NM_000027.4(AGA):c.914T>G (p.Ile305Arg)

Gene: AGA (aspartylglucosaminidase; minus strand). Cytogenetic location: 4q34.3.
Variant type: single nucleotide variant.
Coding change: c.914T>G on transcript NM_000027.4 (MANE Select); coding-DNA position 914, T replaced by G.
Protein change: p.Ile305Arg; replaces isoleucine 305 with arginine.
Molecular consequence: missense variant. On other transcripts: non-coding transcript variant (1).
Genome position (GRCh38, 1-based): chr4:177,433,240, A>C on the plus strand (T>G on the coding strand, the complement: AGA is on the minus strand). VCF-style: chr4-177433240-A-C. GRCh37 (hg19) VCF-style: chr4-178354394-A-C.
Other names: c.884T>G, p.Ile295Arg (NM_001171988.2); short protein forms I295R, I305R.
Identifiers: ClinVar variation 2144049 (VCV002144049.1), dbSNP rs373616948, ClinGen allele CA3146760.